The following is an entry in ClinVar:

ClinVar aggregate classification (germline): Likely benign. Review status: reviewed by expert panel (3 of 4 stars). 2 submissions from 2 submitters: Likely benign (1). 1 of the submissions does not count toward it. Last evaluated 2025-01-15.

Conditions:
Hereditary thrombocytopenia and hematologic cancer predisposition syndrome. Identifiers: Orphanet 71290, MedGen CN281654, MONDO:0011071.
Hereditary thrombocytopenia and hematological cancer predisposition syndrome associated with RUNX1. Also called: PLATELET DISORDER, ASPIRIN-LIKE; Familial Platelet Disorder with Propensity to Acute Myelogenous Leukemia; Familial thrombocytopenia with propensity to acute myelogenous leukemia; RUNX1 Familial Platelet Disorder with Associated Myeloid Malignancies. Identifiers: Orphanet 71290, MedGen C1832388, MeSH C563324, MONDO:0100083, OMIM 601399.

Submissions (2):

ClinGen Myeloid Malignancy Variant Curation Expert Panel
Classification: Likely benign for Hereditary thrombocytopenia and hematologic cancer predisposition syndrome. Last evaluated: 2025-01-15. Review status: reviewed by expert panel. Criteria: ClinGen MyeloMalig ACMG Specifications v2. Collection method: curation. Allele origin: germline. Inheritance: Autosomal dominant inheritance.
Comment: NM_001754.5(RUNX1):c.968-7C>A is an intronic variant which has a Splice AI score ≤ 0.20 (0.0) (BP4). This variant has a SpliceAI score ≤ 0.20 (0.0) and evolutionary conservation algorithms predict the site as not being conserved (PhyloP score ≤ 2.0 (0.24)) (BP7). This variant is completely absent from all population databases with at least 20x coverage for RUNX1 (PM2_Supporting). In summary, this variant meets criteria to be classified as likely benign. ACMG/AMP criteria applied, as specified by the Myeloid Malignancy Variant Curation Expert Panel for RUNX1: BP4, BP7, PM2_Supporting

Labcorp Genetics (formerly Invitae), Labcorp
Classification: Likely benign for Hereditary thrombocytopenia and hematological cancer predisposition syndrome associated with RUNX1. Last evaluated: 2024-02-17. Review status: criteria provided, single submitter. Criteria: Invitae Variant Classification Sherloc (09022015). Collection method: clinical testing. Allele origin: germline. Not counted in ClinVar's aggregate classification.

NM_001754.5(RUNX1):c.968-7C>A

Gene: RUNX1 (RUNX family transcription factor 1; minus strand). Cytogenetic location: 21q22.12.
Variant type: single nucleotide variant.
Coding change: c.968-7C>A on transcript NM_001754.5 (MANE Select); 7 bases into the intron before coding-DNA position 968, C replaced by A.
Molecular consequence: intron variant.
Genome position (GRCh38, 1-based): chr21:34,792,617, G>T on the plus strand (C>A on the coding strand, the complement: RUNX1 is on the minus strand). VCF-style: chr21-34792617-G-T. GRCh37 (hg19) VCF-style: chr21-36164914-G-T.
Other names: c.887-7C>A (NM_001001890.3).
Identifiers: ClinVar variation 942846 (VCV000942846.10), dbSNP rs1601334068, ClinGen allele CA1139666839.